The following is an entry in ClinVar:

NM_015443.4(KANSL1):c.631C>G (p.Pro211Ala)

Gene: KANSL1 (KAT8 regulatory NSL complex subunit 1). Cytogenetic location: 17q21.31.
Variant type: single nucleotide variant.
Coding change: c.631C>G on transcript NM_015443.4 (MANE Select); coding-DNA position 631, C replaced by G.
Protein change: p.Pro211Ala; replaces proline 211 with alanine.
Molecular consequence: missense variant.
Genome position (GRCh38, 1-based): chr17:46,171,513, G>C on the plus strand (C>G on the coding strand, the complement: KANSL1 is on the minus strand). VCF-style: chr17-46171513-G-C. GRCh37 (hg19) VCF-style: chr17-44248879-G-C.
Other names: c.631C>G, p.Pro211Ala (NM_001193465.2, NM_001193466.2, NM_001379198.1); short protein forms P211A.
Identifiers: ClinVar variation 937095 (VCV000937095.5), dbSNP rs745305837, ClinGen allele CA8619010.

ClinVar aggregate classification (germline): Conflicting classifications of pathogenicity. Review status: criteria provided, conflicting classifications (1 of 4 stars). 3 submissions from 3 submitters: Uncertain significance (2); Likely benign (1). Last evaluated 2025-03-03.

Conditions:
Koolen-de Vries syndrome (KDVS). Identifiers: Orphanet 96169, MedGen C1864871, MONDO:0012496, OMIM 610443.
Inborn genetic diseases. Identifiers: MedGen C0950123, MeSH D030342.

Allele frequency attached by ClinVar (database versions not stated): TOPMed 0.00003.
gnomAD v4.1: 13 of 1,613,924 alleles (0.00081%); highest among the groups gnomAD compares: East Asian, 0.025%; no homozygotes.

Submissions (3):

Ambry Genetics
Classification: Likely benign for Inborn genetic diseases. Last evaluated: 2025-03-03. Review status: criteria provided, single submitter. Criteria: Ambry Variant Classification Scheme 2023. Collection method: clinical testing. Allele origin: germline.

Fulgent Genetics
Classification: Uncertain significance for Koolen-de Vries syndrome. Last evaluated: 2022-05-05. Review status: criteria provided, single submitter. Criteria: ACMG Guidelines, 2015. Collection method: clinical testing. Allele origin: unknown.

Labcorp Genetics (formerly Invitae), Labcorp
Classification: Uncertain significance for Koolen-de Vries syndrome. Last evaluated: 2021-12-02. Review status: criteria provided, single submitter. Criteria: Invitae Variant Classification Sherloc (09022015). Collection method: clinical testing. Allele origin: germline.
Comment: Due to the possible presence of a polymorphic segmental duplication, the location of the variant could not be unambiguously resolved. Variants with ambiguous mapping are still reported relative to the KANSL1 transcript. This sequence change replaces proline, which is neutral and non-polar, with alanine, which is neutral and non-polar, at codon 211 of the KANSL1 or 17q21.31 segmental duplication protein (p.Pro211Ala). The frequency data for this variant in the population databases (gnomAD) is considered unreliable due to the presence of homologous sequence, such as pseudogenes or paralogs, in the genome. This variant has not been reported in the literature in individuals with KANSL1-related conditions. ClinVar contains an entry for this variant (Variation ID: 937095). Algorithms developed to predict the effect of missense changes on protein structure and function (SIFT, PolyPhen-2, Align-GVGD) all suggest that this variant is likely to be tolerated. Until the location of this sequence change can be resolved, the clinical significance of this variant remains uncertain. It has been classified as a Variant of Uncertain Significance.